The following is an entry in ClinVar:

NM_003242.6(TGFBR2):c.1606G>C (p.Glu536Gln)

Gene: TGFBR2 (transforming growth factor beta receptor 2; plus strand). Cytogenetic location: 3p24.1.
Variant type: single nucleotide variant.
Coding change: c.1606G>C on transcript NM_003242.6 (MANE Select); coding-DNA position 1606, G replaced by C.
Protein change: p.Glu536Gln; replaces glutamic acid 536 with glutamine.
Molecular consequence: missense variant.
Genome position (GRCh38, 1-based): chr3:30,691,501, G>C. VCF-style: chr3-30691501-G-C. GRCh37 (hg19) VCF-style: chr3-30732993-G-C.
Other names: c.1633G>C, p.Glu545Gln (NM_001407128.1); c.1609G>C, p.Glu537Gln (NM_001407129.1); c.1603G>C, p.Glu535Gln (NM_001407130.1); c.1501G>C, p.Glu501Gln (NM_001407132.1, NM_001407133.1, NM_001407134.1 and 2 more transcripts); c.1321G>C, p.Glu441Gln (NM_001407137.1); c.1246G>C, p.Glu416Gln (NM_001407138.1); c.1681G>C, p.Glu561Gln (NM_001024847.3); c.1789G>C, p.Glu597Gln (NM_001407126.1); and 2 more; short protein forms E246Q, E416Q, E441Q, E501Q, E535Q, E536Q, E537Q, E545Q.
Identifiers: ClinVar variation 4818882 (VCV004818882.1).

ClinVar aggregate classification (germline): Uncertain significance (1 of 4 stars; one submission).

Conditions:
Loeys-Dietz syndrome 2 (LDS2). Also called: TGFBR2-Related Loeys-Dietz Syndrome; Marfan Syndrome type 2; Marfan like connective tissue disorder; MFS 2; Marfan syndrome, type 2 (formerly); AORTIC ANEURYSM, FAMILIAL THORACIC 3. Identifiers: Orphanet 284973, Orphanet 558, MedGen C2674574, MONDO:0012427, OMIM 610168.

Submission:

MVZ Medizinische Genetik Mainz
Classification: Uncertain significance for Loeys-Dietz syndrome 2. Last evaluated: 2026-02-27. Review status: criteria provided, single submitter. Criteria: UK Practice Guidelines For Variant Classification V4 01 2020. Collection method: clinical testing. Allele origin: germline. Inheritance: Autosomal dominant inheritance. Affected: yes. Observed: 1 variant allele.
Comment: ACMG Criteria: PM1_SUP,PM2_SUP